The following is an entry in ClinVar:

ClinVar aggregate classification (germline): Uncertain significance (1 of 4 stars; one submission).

Conditions:
Arrhythmogenic right ventricular dysplasia 11. Also called: Arrhythmogenic Right Ventricular Dysplasia/Cardiomyopathy11; ARRHYTHMOGENIC RIGHT VENTRICULAR DYSPLASIA, FAMILIAL, 11; Arrhythmogenic right ventricular dysplasia 11 with mild palmoplantar keratoderma and woolly hair. Identifiers: MedGen C1864850, MONDO:0012506, OMIM 610476.

Submission:

Labcorp Genetics (formerly Invitae), Labcorp
Classification: Uncertain significance for Arrhythmogenic right ventricular dysplasia 11. Last evaluated: 2024-04-08. Review status: criteria provided, single submitter. Criteria: Invitae Variant Classification Sherloc (09022015). Collection method: clinical testing. Allele origin: germline.
Comment: This sequence change replaces valine, which is neutral and non-polar, with alanine, which is neutral and non-polar, at codon 416 of the DSC2 protein (p.Val416Ala). This variant is not present in population databases (gnomAD no frequency). This variant has not been reported in the literature in individuals affected with DSC2-related conditions. ClinVar contains an entry for this variant (Variation ID: 1995372). Advanced modeling of protein sequence and biophysical properties (such as structural, functional, and spatial information, amino acid conservation, physicochemical variation, residue mobility, and thermodynamic stability) performed at Invitae indicates that this missense variant is not expected to disrupt DSC2 protein function with a negative predictive value of 80%. In summary, the available evidence is currently insufficient to determine the role of this variant in disease. Therefore, it has been classified as a Variant of Uncertain Significance.

NM_024422.6(DSC2):c.1247T>C (p.Val416Ala)

Gene: DSC2 (desmocollin 2; minus strand). Cytogenetic location: 18q12.1.
Variant type: single nucleotide variant.
Coding change: c.1247T>C on transcript NM_024422.6 (MANE Select); coding-DNA position 1247, T replaced by C.
Protein change: p.Val416Ala; replaces valine 416 with alanine.
Molecular consequence: missense variant.
Genome position (GRCh38, 1-based): chr18:31,082,254, A>G on the plus strand (T>C on the coding strand, the complement: DSC2 is on the minus strand). VCF-style: chr18-31082254-A-G. GRCh37 (hg19) VCF-style: chr18-28662220-A-G.
Other names: c.818T>C, p.Val273Ala (NM_001406506.1, NM_001406507.1); c.1247T>C, p.Val416Ala (NM_004949.5); short protein forms V273A, V416A.
Identifiers: ClinVar variation 1995372 (VCV001995372.4), dbSNP rs2510948234, ClinGen allele CA402109475.